The following is an entry in ClinVar:

ClinVar aggregate classification (germline): Conflicting classifications of pathogenicity. Review status: criteria provided, conflicting classifications (1 of 4 stars). 10 submissions from 10 submitters: Pathogenic (1); Likely pathogenic (6); Uncertain significance (3). Last evaluated 2025-09-10.

Conditions:
Hereditary cancer-predisposing syndrome. Also called: Neoplastic Syndromes, Hereditary; Hereditary Cancer Syndrome; Tumor predisposition; Hereditary neoplastic syndrome. Identifiers: Orphanet 140162, MedGen C0027672, MeSH D009386, MONDO:0015356.
Familial adenomatous polyposis 2. Also called: MUTYH-associated polyposis; MYH-associated polyposis; FAP type 2; Adenomas, multiple colorectal; MUTYH-related attenuated familial adenomatous polyposis; MUTYH Polyposis. Identifiers: Orphanet 220460, Orphanet 247798, MedGen C3272841, MONDO:0012041, OMIM 608456.

Allele frequency attached by ClinVar (database versions not stated): ExAC 0.00001; gnomAD exomes 0.00001.

Submissions (10):

Ambry Genetics
Classification: Pathogenic for Hereditary cancer-predisposing syndrome. Last evaluated: 2025-09-10. Review status: criteria provided, single submitter. Criteria: Ambry Variant Classification Scheme 2023. Collection method: clinical testing. Allele origin: germline.
Comment: The p.G216E pathogenic mutation (also known as c.647G>A), located in coding exon 8 of the MUTYH gene, results from a G to A substitution at nucleotide position 647. The glycine at codon 216 is replaced by glutamic acid, an amino acid with similar properties. This variant has also been detected in conjunction with a MUTYH founder mutation in an individual with multiple colorectal adenomas (Dallosso AR et al. Gut 2008 Sep; 57(9):1252-5; Vogt S et al. Gastroenterology. 2009 Dec;137(6):1976-85.e1-10) and in 1/257 patients with MUTYH-associated polyposis (Nielsen M et al. Gastroenterology, 2009 Feb;136:471-6). Additionally, this variant has been identified in at least one patient with a personal or family history of breast and/or ovarian cancer (Maxwell KN et al. Am J Hum Genet. 2016 May 5;98(5):801-17). Based on internal structural analysis using published crystal structures, p.G216E is structurally deleterious (Ambry internal data). Of note, this alteration is also designated as p.G213E in published literature. This variant is considered to be rare based on population cohorts in the Genome Aggregation Database (gnomAD). This amino acid position is highly conserved in available vertebrate species. In addition, this alteration is predicted to be deleterious by in silico analysis. Based on the supporting evidence, this variant is interpreted as a disease-causing mutation.

CeGaT Center for Human Genetics Tuebingen
Classification: Likely pathogenic. Last evaluated: 2025-06-01. Review status: criteria provided, single submitter. Criteria: CeGaT Center For Human Genetics Tuebingen Variant Classification Criteria Version 2. Collection method: clinical testing. Allele origin: germline. Affected: yes. Observed: 1 variant allele.
Comment: MUTYH: PM2, PS4:Moderate, PM3:Supporting, PP3

Labcorp Genetics (formerly Invitae), Labcorp
Classification: Uncertain significance for Familial adenomatous polyposis 2. Last evaluated: 2025-03-19. Review status: criteria provided, single submitter. Criteria: Invitae Variant Classification Sherloc (09022015). Collection method: clinical testing. Allele origin: germline.
Comment: This sequence change replaces glycine, which is neutral and non-polar, with glutamic acid, which is acidic and polar, at codon 216 of the MUTYH protein (p.Gly216Glu). This variant is present in population databases (rs768553551, gnomAD 0.006%). This missense change has been observed in individual(s) with MUTYH-related conditions (PMID: 18515411, 19732775, 20618354; internal data). In at least one individual the data is consistent with being in trans (on the opposite chromosome) from a pathogenic variant. ClinVar contains an entry for this variant (Variation ID: 231491). An algorithm developed to predict the effect of missense changes on protein structure and function (PolyPhen-2) suggests that this variant is likely to be disruptive. In summary, the available evidence is currently insufficient to determine the role of this variant in disease. Therefore, it has been classified as a Variant of Uncertain Significance.

Color Diagnostics, LLC DBA Color Health
Classification: Likely pathogenic for Hereditary cancer-predisposing syndrome. Last evaluated: 2025-01-13. Review status: criteria provided, single submitter. Criteria: ACMG Guidelines, 2015. Collection method: clinical testing. Allele origin: germline.
Comment: This missense variant replaces glycine with glutamic acid at codon 216 of the MUTYH protein. Computational prediction suggests that this variant may have deleterious impact on protein structure and function. To our knowledge, functional studies have not been reported for this variant. This variant has been observed with a second pathogenic MUTYH variant in individuals affected with autosomal recessive MUTYH-associated polyposis (PMID: 19394335, 19732775, 20618354), indicating that this variant contributes to disease. This variant has been identified in 2/251430 chromosomes in the general population by the Genome Aggregation Database (gnomAD). Based on the available evidence, this variant is classified as Likely Pathogenic.

Myriad Genetics, Inc.
Classification: Likely pathogenic for Familial adenomatous polyposis 2. Last evaluated: 2024-08-05. Review status: criteria provided, single submitter. Criteria: Myriad Autosomal Dominant, Autosomal Recessive and X-Linked Classification Criteria (2023). Collection method: clinical testing. Allele origin: unknown.
Comment: This variant is considered likely pathogenic. This variant has been reported in multiple individuals with clinical features of gene-specific disease [PMID: 20618354, 19732775, Myriad internal data]. This variant is expected to disrupt protein structure [Myriad internal data].

Baylor Genetics
Classification: Likely pathogenic for Familial adenomatous polyposis 2. Last evaluated: 2024-02-02. Review status: criteria provided, single submitter. Criteria: ACMG Guidelines, 2015. Collection method: clinical testing. Allele origin: unknown.

Quest Diagnostics Nichols Institute San Juan Capistrano
Classification: Uncertain significance. Last evaluated: 2023-08-04. Review status: criteria provided, single submitter. Criteria: Quest Diagnostics criteria. Collection method: clinical testing. Allele origin: unknown.
Comment: In the published literature, this variant has been reported in individuals with MUTYH associated polyposis (MAP) (PMID: 18515411 (2008), 19032956 (2009)) and attenuated familial polyposis (PMID: 20618354 (2010)). The frequency of this variant in the general population, 0.000058 (2/34584 chromosomes (Genome Aggregation Database)), is uninformative in the assessment of its pathogenicity. Analysis of this variant using bioinformatics tools for the prediction of the effect of amino acid changes on protein structure and function yielded predictions that this variant is damaging. Based on the available information, we are unable to determine the clinical significance of this variant.

All of Us Research Program, National Institutes of Health
Classification: Likely pathogenic for Familial adenomatous polyposis 2. Last evaluated: 2023-03-04. Review status: criteria provided, single submitter. Criteria: ACMG Guidelines, 2015. Collection method: clinical testing. Allele origin: germline. Inheritance: Autosomal recessive inheritance. Observed: 1 variant allele, 1 heterozygote.
Comment: This study involves interpretation of variants in research participants for the purpose of population health screening. Participant phenotype was not available at the time of variant classification. Additional details can be found in publication PMID: 35346344, PMCID: PMC8962531

GeneDx
Classification: Likely pathogenic. Last evaluated: 2022-08-30. Review status: criteria provided, single submitter. Criteria: GeneDx Variant Classification Process June 2021. Collection method: clinical testing. Allele origin: germline. Affected: yes.
Comment: In silico analysis supports that this missense variant has a deleterious effect on protein structure/function; Not observed at significant frequency in large population cohorts (gnomAD); This variant is associated with the following publications: (PMID: 25525159, 19032956, 19732775, 20618354, 27153395, 19394335, 18515411)

GeneID Lab - Advanced Molecular Diagnostics
Classification: Uncertain significance for Hereditary cancer-predisposing syndrome. Last evaluated: 2017-09-07. Review status: criteria provided, single submitter. Criteria: ACMG Guidelines, 2015. Collection method: clinical testing. Allele origin: germline. Affected: no. Observed: 1 variant allele.

Literature cited by the submitters: PubMed 18515411 (cited by 3 submitters); PubMed 19032956 (cited by Ambry Genetics and Quest Diagnostics Nichols Institute San Juan Capistrano); PubMed 20618354 (cited by 5 submitters); PubMed 19732775 (cited by 4 submitters); PubMed 19394335 (cited by Color Diagnostics, LLC DBA Color Health and Quest Diagnostics Nichols Institute San Juan Capistrano); PubMed 34981295 (cited by Quest Diagnostics Nichols Institute San Juan Capistrano); PubMed 19414147 (cited by Quest Diagnostics Nichols Institute San Juan Capistrano); PubMed 26269718 (cited by Quest Diagnostics Nichols Institute San Juan Capistrano); PubMed 26332594 (cited by Quest Diagnostics Nichols Institute San Juan Capistrano); PubMed 30267214 (cited by Quest Diagnostics Nichols Institute San Juan Capistrano).

NM_001048174.2(MUTYH):c.563G>A (p.Gly188Glu)

Gene: MUTYH (mutY DNA glycosylase; minus strand). Cytogenetic location: 1p34.1.
Variant type: single nucleotide variant.
Coding change: c.563G>A on transcript NM_001048174.2 (MANE Select); coding-DNA position 563, G replaced by A.
Protein change: p.Gly188Glu; replaces glycine 188 with glutamic acid.
Molecular consequence: missense variant. On other transcripts: non-coding transcript variant (2).
Genome position (GRCh38, 1-based): chr1:45,332,617, C>T on the plus strand (G>A on the coding strand, the complement: MUTYH is on the minus strand). VCF-style: chr1-45332617-C-T. GRCh37 (hg19) VCF-style: chr1-45798289-C-T.
Other names: c.563G>A, p.Gly188Glu (NM_001048171.2, NM_001048173.2, NM_001293195.2); c.566G>A, p.Gly189Glu (NM_001048172.2); c.647G>A, p.Gly216Glu (NM_001128425.2); c.608G>A, p.Gly203Glu (NM_001293190.2); c.596G>A, p.Gly199Glu (NM_001293191.2); c.287G>A, p.Gly96Glu (NM_001293192.2, NM_001293196.2); c.218G>A, p.Gly73Glu (NM_001350650.2, NM_001350651.2); c.638G>A, p.Gly213Glu (NM_012222.3); short protein forms G216E, G189E, G203E, G73E, G188E, G199E, G213E, G96E.
Identifiers: ClinVar variation 231491 (VCV000231491.35), dbSNP rs768553551, ClinGen allele CA058472.